The following is an entry in ClinVar:

ClinVar aggregate classification (germline): Uncertain significance. Review status: criteria provided, multiple submitters, no conflicts (2 of 4 stars). 2 submissions from 2 submitters: Uncertain significance (2). Last evaluated 2024-06-05.

Submissions (2):

Blueprint Genetics
Classification: Uncertain significance. Last evaluated: 2024-06-05. Review status: criteria provided, single submitter. Criteria: ACMG Guidelines, 2015. Collection method: clinical testing. Allele origin: germline.

Labcorp Genetics (formerly Invitae), Labcorp
Classification: Uncertain significance. Last evaluated: 2022-08-19. Review status: criteria provided, single submitter. Criteria: Invitae Variant Classification Sherloc (09022015). Collection method: clinical testing. Allele origin: germline.
Comment: In summary, the available evidence is currently insufficient to determine the role of this variant in disease. Therefore, it has been classified as a Variant of Uncertain Significance. Algorithms developed to predict the effect of missense changes on protein structure and function (SIFT, PolyPhen-2, Align-GVGD) all suggest that this variant is likely to be tolerated. This variant has not been reported in the literature in individuals affected with PCARE-related conditions. This variant is not present in population databases (gnomAD no frequency). This sequence change replaces glutamic acid, which is acidic and polar, with lysine, which is basic and polar, at codon 817 of the PCARE protein (p.Glu817Lys).

NM_001029883.3(PCARE):c.2449G>A (p.Glu817Lys)

Gene: PCARE (photoreceptor cilium actin regulator; minus strand). Cytogenetic location: 2p23.2.
Variant type: single nucleotide variant.
Coding change: c.2449G>A on transcript NM_001029883.3 (MANE Select); coding-DNA position 2449, G replaced by A.
Protein change: p.Glu817Lys; replaces glutamic acid 817 with lysine.
Molecular consequence: missense variant.
Genome position (GRCh38, 1-based): chr2:29,071,813, C>T on the plus strand (G>A on the coding strand, the complement: PCARE is on the minus strand). VCF-style: chr2-29071813-C-T. GRCh37 (hg19) VCF-style: chr2-29294679-C-T.
Other names: short protein forms E817K.
Identifiers: ClinVar variation 2024842 (VCV002024842.5), dbSNP rs1350344619, ClinGen allele CA346477513.